The following is an entry in ClinVar:

ClinVar aggregate classification (germline): Uncertain significance. Review status: criteria provided, multiple submitters, no conflicts (2 of 4 stars). 3 submissions from 3 submitters: Uncertain significance (2). 1 of the submissions does not count toward it. Last evaluated 2026-05-04.

Conditions:
Hereditary insensitivity to pain with anhidrosis (CIPA). Also called: INSENSITIVITY TO PAIN, CONGENITAL, WITH ANHIDROSIS; HSAN Type IV; FAMILIAL DYSAUTONOMIA, TYPE II; NTRK1 Congenital Insensitivity to Pain with Anhidrosis; NEUROPATHY, CONGENITAL SENSORY, WITH ANHIDROSIS; hereditary sensory and autonomic neuropathy type 4. Identifiers: Orphanet 642, MedGen C0020074, MONDO:0009746, OMIM 256800.

Submissions (3):

Myriad Genetics, Inc.
Classification: Uncertain significance for Hereditary insensitivity to pain with anhidrosis. Last evaluated: 2026-05-04. Review status: criteria provided, single submitter. Criteria: Myriad Autosomal Dominant, Autosomal Recessive and X-Linked Classification Criteria (2023). Collection method: clinical testing. Allele origin: unknown.
Comment: NM_002529.3(NTRK1):c.2324A>G(K775R) is a missense variant classified as a variant of uncertain significance in the context of congenital insensitivity to pain with anhidrosis, NTRK1-related. K775R has not been observed in cases with relevant disease. Relevant functional assessments of this variant are not available in the literature. K775R has not been observed in referenced population frequency databases. In summary, there is insufficient evidence to classify NM_002529.3(NTRK1):c.2324A>G(K775R) as pathogenic or benign. Please note: this variant was assessed in the context of healthy population screening.

Labcorp Genetics (formerly Invitae), Labcorp
Classification: Uncertain significance for Hereditary insensitivity to pain with anhidrosis. Last evaluated: 2021-08-27. Review status: criteria provided, single submitter. Criteria: Invitae Variant Classification Sherloc (09022015). Collection method: clinical testing. Allele origin: germline.
Comment: This sequence change replaces lysine with arginine at codon 769 of the NTRK1 protein (p.Lys769Arg). The lysine residue is highly conserved and there is a small physicochemical difference between lysine and arginine. This variant is not present in population databases (ExAC no frequency). This variant has not been reported in the literature in individuals affected with NTRK1-related conditions. Algorithms developed to predict the effect of missense changes on protein structure and function are either unavailable or do not agree on the potential impact of this missense change (SIFT: "Tolerated"; PolyPhen-2: "Possibly Damaging"; Align-GVGD: "Class C0"). In summary, the available evidence is currently insufficient to determine the role of this variant in disease. Therefore, it has been classified as a Variant of Uncertain Significance.

Natera, Inc.
Classification: Uncertain significance for Hereditary insensitivity to pain with anhidrosis. Last evaluated: 2021-02-11. Review status: no assertion criteria provided. Collection method: clinical testing. Allele origin: germline. Not counted in ClinVar's aggregate classification.

NM_002529.4(NTRK1):c.2324A>G (p.Lys775Arg)

Gene: NTRK1 (neurotrophic receptor tyrosine kinase 1; plus strand). Cytogenetic location: 1q23.1.
Variant type: single nucleotide variant.
Coding change: c.2324A>G on transcript NM_002529.4 (MANE Select); coding-DNA position 2324, A replaced by G.
Protein change: p.Lys775Arg; replaces lysine 775 with arginine.
Molecular consequence: missense variant.
Genome position (GRCh38, 1-based): chr1:156,881,575, A>G. VCF-style: chr1-156881575-A-G. GRCh37 (hg19) VCF-style: chr1-156851367-A-G.
Other names: c.2216A>G, p.Lys739Arg (NM_001007792.1); c.2306A>G, p.Lys769Arg (NM_001012331.2); short protein forms K739R, K769R, K775R.
Identifiers: ClinVar variation 652164 (VCV000652164.10), dbSNP rs1570912470, ClinGen allele CA342941700.